The following is an entry in ClinVar:

NM_007259.5(VPS45):c.487A>G (p.Thr163Ala)

Gene: VPS45 (vacuolar protein sorting 45 homolog; plus strand). Cytogenetic location: 1q21.2.
Variant type: single nucleotide variant.
Coding change: c.487A>G on transcript NM_007259.5 (MANE Select); coding-DNA position 487, A replaced by G.
Protein change: p.Thr163Ala; replaces threonine 163 with alanine.
Molecular consequence: missense variant. On other transcripts: intron variant (1).
Genome position (GRCh38, 1-based): chr1:150,077,142, A>G. VCF-style: chr1-150077142-A-G. GRCh37 (hg19) VCF-style: chr1-150049220-A-G.
Other names: c.379A>G, p.Thr127Ala (NM_001279354.2); c.262-527A>G (NM_001279353.2); short protein forms T127A, T163A.
Identifiers: ClinVar variation 967112 (VCV000967112.12), dbSNP rs146014368, ClinGen allele CA1073151.

ClinVar aggregate classification (germline): Uncertain significance. Review status: criteria provided, multiple submitters, no conflicts (2 of 4 stars). 5 submissions from 5 submitters: Uncertain significance (4). 1 of the submissions does not count toward it. Last evaluated 2024-05-07.

Conditions:
Congenital neutropenia-myelofibrosis-nephromegaly syndrome. Also called: Severe congenital neutropenia 5, autosomal recessive. Identifiers: Orphanet 369852, MedGen C3809031, MONDO:0014118, OMIM 615285.

Allele frequency attached by ClinVar (database versions not stated): gnomAD exomes 0.00012; 1000 Genomes Project 30x 0.00016; ExAC 0.00016; 1000 Genomes Project 0.00020; ESP Exome Variant Server 0.00031; TOPMed 0.00037; gnomAD 0.00046 and 0.00050.
gnomAD v4.1: 120 of 1,614,166 alleles (0.0074%); highest among the groups gnomAD compares: African/African-American, 0.15%; no homozygotes.

Submissions (5):

ARUP Laboratories, Molecular Genetics and Genomics, ARUP Laboratories
Classification: Uncertain significance for Congenital neutropenia-myelofibrosis-nephromegaly syndrome. Last evaluated: 2024-05-07. Review status: criteria provided, single submitter. Criteria: ARUP Molecular Germline Variant Investigation Process 2024. Collection method: clinical testing. Allele origin: germline.

Labcorp Genetics (formerly Invitae), Labcorp
Classification: Uncertain significance for Congenital neutropenia-myelofibrosis-nephromegaly syndrome. Last evaluated: 2022-09-13. Review status: criteria provided, single submitter. Criteria: Invitae Variant Classification Sherloc (09022015). Collection method: clinical testing. Allele origin: germline.
Comment: This sequence change replaces threonine, which is neutral and polar, with alanine, which is neutral and non-polar, at codon 163 of the VPS45 protein (p.Thr163Ala). This variant is present in population databases (rs146014368, gnomAD 0.2%). This variant has not been reported in the literature in individuals affected with VPS45-related conditions. ClinVar contains an entry for this variant (Variation ID: 967112). Advanced modeling of protein sequence and biophysical properties (such as structural, functional, and spatial information, amino acid conservation, physicochemical variation, residue mobility, and thermodynamic stability) performed at Invitae indicates that this missense variant is not expected to disrupt VPS45 protein function. In summary, the available evidence is currently insufficient to determine the role of this variant in disease. Therefore, it has been classified as a Variant of Uncertain Significance.

Genetic Services Laboratory, University of Chicago
Classification: Uncertain significance. Last evaluated: 2020-08-27. Review status: criteria provided, single submitter. Criteria: ACMG Guidelines, 2015. Collection method: clinical testing. Allele origin: germline. Affected: no.
Comment: DNA sequence analysis of the VPS45 gene demonstrated a sequence change, c.487A>G, in exon 6 that results in an amino acid change, p.Thr163Ala. This sequence change does not appear to have been previously described in patients with VPS45-related disorders. This sequence change has been described in the gnomAD database with a low population frequency of 0.016% (dbSNP rs146014368). The p.Thr163Ala change affects a moderately conserved amino acid residue of the VPS45 protein. The p.Thr163Ala substitution appears to be benign using several in-silico pathogenicity prediction tools (SIFT, PolyPhen2, Align GVGD, REVEL). Due to these contrasting evidences and the lack of functional studies, the clinical significance of the p.Thr163Ala change remains unknown at this time.

GeneDx
Classification: Uncertain significance. Last evaluated: 2019-10-10. Review status: criteria provided, single submitter. Criteria: GeneDx Variant Classification Process June 2021. Collection method: clinical testing. Allele origin: germline. Affected: yes.
Comment: Has not been previously published as pathogenic or benign to our knowledge; In silico analysis, which includes protein predictors and evolutionary conservation, supports that this variant does not alter protein structure/function

Natera, Inc.
Classification: Uncertain significance for Autosomal recessive severe congenital neutropenia 5. Last evaluated: 2020-09-10. Review status: no assertion criteria provided. Collection method: clinical testing. Allele origin: germline. Not counted in ClinVar's aggregate classification.